The following is an entry in ClinVar:

ClinVar aggregate classification (germline): Uncertain significance (1 of 4 stars; one submission).

Submission:

GeneDx
Classification: Uncertain significance. Last evaluated: 2024-10-14. Review status: criteria provided, single submitter. Criteria: GeneDx Variant Classification Process June 2021. Collection method: clinical testing. Allele origin: germline. Affected: yes.
Comment: Not observed at significant frequency in large population cohorts (gnomAD); In silico analysis supports that this missense variant has a deleterious effect on protein structure/function; Has not been previously published as pathogenic or benign to our knowledge

NM_001197104.2(KMT2A):c.6110T>C (p.Leu2037Pro)

Gene: KMT2A (lysine methyltransferase 2A; plus strand). Cytogenetic location: 11q23.3.
Variant type: single nucleotide variant.
Coding change: c.6110T>C on transcript NM_001197104.2 (MANE Select); coding-DNA position 6110, T replaced by C.
Protein change: p.Leu2037Pro; replaces leucine 2037 with proline.
Molecular consequence: missense variant.
Genome position (GRCh38, 1-based): chr11:118,499,865, T>C. VCF-style: chr11-118499865-T-C. GRCh37 (hg19) VCF-style: chr11-118370580-T-C.
Other names: c.6200T>C, p.Leu2067Pro (NM_001412597.1); c.6101T>C, p.Leu2034Pro (NM_005933.4); short protein forms L2034P, L2037P, L2067P.
Identifiers: ClinVar variation 3781089 (VCV003781089.1).
Genomic context (GRCh38, chr11:118,499,865, plus strand): 5'-TCTCTAATCGGTTCTTCTTTCCTTGGTCAGGGTCTATGACAATCGACTGCTTAGGAATTC[T>C]AAATGATCTCTCCGACTGTGAAGATAAGCTCTTTCCTATTGGATATCAGTAAGTAGCACT-3'
Protein context (NP_001184033.1, residues 2027-2047): GSMTIDCLGI[Leu2037Pro]NDLSDCEDKL